The following is an entry in ClinVar:

ClinVar aggregate classification (germline): Benign (1 of 4 stars; one submission).

Submission:

ISCA site 4
Classification: Benign. Last evaluated: 2011-08-12. Review status: criteria provided, single submitter. Criteria: Kaminsky et al. (Genet Med. 2011). Collection method: clinical testing. Allele origin: unknown. Affected: yes. Observed: 1 variant allele.
Comment: Copy number variation identified through the course of routine clinical cytogenomic testing in postnatal populations. Clinical assertions have been curated as described in Kaminsky et al. 2011.

GRCh38/hg38 5q13.2(chr5:70436365-71090773)x3

Genes: GTF2H2 (general transcription factor IIH subunit 2; minus strand), NAIP (NLR family apoptosis inhibitory protein), SERF1A (small EDRK-rich factor 1A), SMN-AS1 (survival motor neuron- antisense 1), SMN1 (survival of motor neuron 1, telomeric) and 2 more. Cytogenetic location: 5q13.2.
Variant type: copy number gain.
Change: copy number 3 (three copies instead of two) of chr5:70,436,365-71,090,773 (654.4 kb, GRCh38 coordinates, 1-based), cytogenetic band 5q13.2.
Identifiers: ClinVar variation 57276 (VCV000057276.1).